The following is an entry in ClinVar:

ClinVar aggregate classification (germline): Likely pathogenic (1 of 4 stars; one submission).

Conditions:
Developmental and epileptic encephalopathy 94 (DEE94). Also called: CHD2-Related Neurodevelopmental Disorders; Epileptic encephalopathy, childhood-onset. Identifiers: Orphanet 1942, Orphanet 2382, MedGen C3809278, MONDO:0014150, OMIM 615369.

Submission:

Institute for Genomic Medicine (IGM) Clinical Laboratory, Nationwide Children's Hospital
Classification: Likely pathogenic for Developmental and epileptic encephalopathy 94. Last evaluated: 2018-03-08. Review status: criteria provided, single submitter. Criteria: ACMG Guidelines, 2015. Collection method: clinical testing. Allele origin: germline. Affected: yes.
Comment: [ACMG/AMP: PVS1, PM2] This alteration is a null variant in a gene where LOF is a known mechanism of disease [PVS1], is absent from or rarely observed in large-scale population databases [PM2].

NM_001271.4(CHD2):c.789dup (p.Glu264Ter)

Gene: CHD2 (chromodomain helicase DNA binding protein 2; plus strand). Cytogenetic location: 15q26.1.
Variant type: Duplication.
Coding change: c.789dup on transcript NM_001271.4 (MANE Select); coding-DNA position 789, one base duplicated (T; older notation c.789dupT).
Protein change: p.Glu264Ter; replaces glutamic acid 264 with a stop codon.
Molecular consequence: nonsense.
Genome position (GRCh38, 1-based): chr15:92,941,918, T duplicated; the last of 2 consecutive T bases (chr15:92,941,917-92,941,918); duplicating either gives the same sequence. VCF-style (leftmost placement, unchanged base first): chr15-92941916-A-AT. GRCh37 (hg19) VCF-style: chr15-93485146-A-AT.
Other names: c.789dup, p.Glu264Ter (NM_001042572.3); short protein forms E264*.
Identifiers: ClinVar variation 973214 (VCV000973214.5), dbSNP rs2053388293, ClinGen allele CA1139664163.